The following is an entry in ClinVar:

NM_152328.5(ADSS1):c.193-4903G>A

Gene: ADSS1 (adenylosuccinate synthase 1; plus strand). Cytogenetic location: 14q32.33.
Variant type: single nucleotide variant.
Coding change: c.193-4903G>A on transcript NM_152328.5 (MANE Select); 4903 bases into the intron before coding-DNA position 193, G replaced by A.
Molecular consequence: intron variant. On other transcripts: 5 prime UTR variant (1), synonymous variant (1).
Genome position (GRCh38, 1-based): chr14:104,730,117, G>A. VCF-style: chr14-104730117-G-A. GRCh37 (hg19) VCF-style: chr14-105196454-G-A.
Other names: c.-503G>A (NM_001320424.1); c.225G>A, p.Glu75= (NM_199165.2).
Identifiers: ClinVar variation 1967258 (VCV001967258.7), dbSNP rs557232475, ClinGen allele CA7373529.

ClinVar aggregate classification (germline): Likely benign. Review status: criteria provided, multiple submitters, no conflicts (2 of 4 stars). 2 submissions from 2 submitters: Likely benign (2). Last evaluated 2026-06-01.

Allele frequency attached by ClinVar (database versions not stated): ExAC 0.00005; TOPMed 0.00007; gnomAD 0.00010; 1000 Genomes Project 30x 0.00016; 1000 Genomes Project 0.00020.
gnomAD v4.1: 32 of 1,548,454 alleles (0.0021%); highest among the groups gnomAD compares: Admixed American, 0.043%; no homozygotes.

Submissions (2):

CeGaT Center for Human Genetics Tuebingen
Classification: Likely benign. Last evaluated: 2026-06-01. Review status: criteria provided, single submitter. Criteria: CeGaT Center For Human Genetics Tuebingen Variant Classification Criteria Version 2. Collection method: clinical testing. Allele origin: germline. Affected: yes. Observed: 1 variant allele.
Comment: ADSS1: BP4, BP7

Labcorp Genetics (formerly Invitae), Labcorp
Classification: Likely benign. Last evaluated: 2026-01-19. Review status: criteria provided, single submitter. Criteria: Invitae Variant Classification Sherloc (09022015). Collection method: clinical testing. Allele origin: germline.